The following is an entry in ClinVar:

NM_001042492.3(NF1):c.4578-18G>A

Gene: NF1 (neurofibromin 1; plus strand). Cytogenetic location: 17q11.2.
Variant type: single nucleotide variant.
Coding change: c.4578-18G>A on transcript NM_001042492.3 (MANE Select); 18 bases into the intron before coding-DNA position 4578, G replaced by A.
Molecular consequence: intron variant.
Genome position (GRCh38, 1-based): chr17:31,261,693, G>A. VCF-style: chr17-31261693-G-A. GRCh37 (hg19) VCF-style: chr17-29588711-G-A.
Other names: c.4515-18G>A (NM_000267.4).
Identifiers: ClinVar variation 4876158 (VCV004876158.1).

ClinVar aggregate classification (germline): Likely benign (1 of 4 stars; one submission).

Conditions:
Neurofibromatosis, type 1 (NF1). Also called: VON RECKLINGHAUSEN DISEASE; NEUROFIBROMATOSIS, TYPE I, SOMATIC; Peripheral type neurofibromatosis; Neurofibromatosis, type I. Identifiers: Orphanet 636, MedGen C0027831, MONDO:0018975, OMIM 162200. Disease mechanism: loss of function.

Submission:

Myriad Genetics, Inc.
Classification: Likely benign for Neurofibromatosis, type 1. Last evaluated: 2026-05-13. Review status: criteria provided, single submitter. Criteria: Myriad Autosomal Dominant, Autosomal Recessive and X-Linked Classification Criteria (2023). Collection method: clinical testing. Allele origin: unknown.
Comment: This variant is considered likely benign. This variant is intronic and is not expected to impact mRNA splicing.